The following is an entry in ClinVar:

NM_000038.6(APC):c.3850G>T (p.Glu1284Ter)

Gene: APC (APC regulator of Wnt signaling pathway; plus strand). Cytogenetic location: 5q22.2.
Variant type: single nucleotide variant.
Coding change: c.3850G>T on transcript NM_000038.6 (MANE Select); coding-DNA position 3850, G replaced by T.
Protein change: p.Glu1284Ter; replaces glutamic acid 1284 with a stop codon.
Molecular consequence: nonsense.
Genome position (GRCh38, 1-based): chr5:112,839,444, G>T. VCF-style: chr5-112839444-G-T. GRCh37 (hg19) VCF-style: chr5-112175141-G-T.
Other names: c.3850G>T, p.Glu1284Ter (NM_001127510.3, NM_001354895.2); c.3796G>T, p.Glu1266Ter (NM_001127511.3); c.3904G>T, p.Glu1302Ter (NM_001354896.2); c.3880G>T, p.Glu1294Ter (NM_001354897.2); c.3775G>T, p.Glu1259Ter (NM_001354898.2); c.3766G>T, p.Glu1256Ter (NM_001354899.2); c.3727G>T, p.Glu1243Ter (NM_001354900.2); c.3673G>T, p.Glu1225Ter (NM_001354901.2); and 5 more; short protein forms E1183*, E1225*, E1243*, E1284*, E1294*, E1256*, E1124*, E1266*.
Identifiers: ClinVar variation 946474 (VCV000946474.11), dbSNP rs1765537897, ClinGen allele CA16029777.

ClinVar aggregate classification (germline): Pathogenic (1 of 4 stars; one submission).

Conditions:
Familial adenomatous polyposis 1 (FAP1). Also called: FAMILIAL ADENOMATOUS POLYPOSIS 1, ATTENUATED; POLYPOSIS, ADENOMATOUS INTESTINAL. Identifiers: MedGen C2713442, MONDO:0021056, OMIM 175100. Disease mechanism: loss of function.

Submission:

Labcorp Genetics (formerly Invitae), Labcorp
Classification: Pathogenic for Familial adenomatous polyposis 1. Last evaluated: 2019-05-04. Review status: criteria provided, single submitter. Criteria: Invitae Variant Classification Sherloc (09022015). Collection method: clinical testing. Allele origin: germline.
Comment: A different truncation (p.Tyr2645Lysfs*14) that lies downstream of this variant has been determined to be pathogenic (PMID: 9824584, 1316610, 27081525, 8381579, 22135120, Invitae). This suggests that deletion of this region of the APC protein is causative of disease. For these reasons, this variant has been classified as Pathogenic. This variant is expected to disrupt the EB1 and HDLG binding sites, which mediate interactions with the cytoskeleton (PMID: 15311282, 17293347). While functional studies have not been performed to directly test the effect on APC protein function, this suggests that disruption of the C-terminal portion of the protein is functionally important. This variant has not been reported in the literature in individuals with APC-related conditions. This variant is not present in population databases (ExAC no frequency). This sequence change results in a premature translational stop signal in the APC gene (p.Glu1284*). While this is not anticipated to result in nonsense mediated decay, it is expected to disrupt the last 1,560 amino acids of the APC protein.

Literature cited by the submitters: PubMed 9824584; PubMed 1316610; PubMed 27081525; PubMed 8381579; PubMed 22135120; PubMed 15311282; PubMed 17293347.